The following is an entry in ClinVar:

NM_001367624.2(ZNF469):c.9919A>G (p.Thr3307Ala)

Gene: ZNF469 (zinc finger protein 469; plus strand). Cytogenetic location: 16q24.2.
Variant type: single nucleotide variant.
Coding change: c.9919A>G on transcript NM_001367624.2 (MANE Select); coding-DNA position 9919, A replaced by G.
Protein change: p.Thr3307Ala; replaces threonine 3307 with alanine.
Molecular consequence: missense variant.
Genome position (GRCh38, 1-based): chr16:88,437,389, A>G. VCF-style: chr16-88437389-A-G. GRCh37 (hg19) VCF-style: chr16-88503797-A-G.
Other names: NM_001127464.1:c.9835A>G; p.Thr3307Ala; NM_001127464.2:c.9835A>G; short protein forms T3307A.
Identifiers: ClinVar variation 126935 (VCV000126935.61), dbSNP rs273585627, ClinGen allele CA151309.

ClinVar aggregate classification (germline): Conflicting classifications of pathogenicity. Review status: criteria provided, conflicting classifications (1 of 4 stars). 10 submissions from 10 submitters: Uncertain significance (7); Benign (1); Likely benign (1). 1 of the submissions does not count toward it. Last evaluated 2026-02-24.

Conditions:
ZNF469-related disorder. Also called: ZNF469-related condition.
Cardiovascular phenotype. Identifiers: MedGen CN230736.
Keratoconus 1 (KTCN1). Identifiers: MedGen C1835677, MONDO:0007851, OMIM 148300.
Brittle cornea syndrome 1 (BCS1). Also called: FRAGILITAS OCULI WITH JOINT HYPEREXTENSIBILITY; DYSGENESIS MESODERMALIS CORNEAE ET SCLERAE; Corneal fragility keratoglobus, blue sclerae AND joint hypermobility; CORNEAL FRAGILITY, KERATOGLOBUS, BLUE SCLERAE, JOINT HYPEREXTENSIBILITY; EDS6B. Identifiers: Orphanet 90354, MedGen C0268344, MONDO:0024543, OMIM 229200.

Allele frequency attached by ClinVar (database versions not stated): 1000 Genomes Project 30x 0.00016; gnomAD exomes 0.00044 and 0.00095; TOPMed 0.00068; gnomAD 0.00069 and 0.00072.
gnomAD v4.1: 1,397 of 1,534,580 alleles (0.091%); highest among the groups gnomAD compares: Non-Finnish European, 0.12%; 4 homozygotes.

Submissions (10):

PreventionGenetics, part of Exact Sciences
Classification: Uncertain significance for ZNF469-related condition. Last evaluated: 2026-02-24. Review status: criteria provided, single submitter. Criteria: ACMG Guidelines, 2015. Collection method: clinical testing. Allele origin: germline.
Comment: The ZNF469 c.9835A>G variant is predicted to result in the amino acid substitution p.Thr3279Ala. This variant has been observed in an individual from a cohort pf patients with keratoconus and reported as a variant of uncertain significance (VUS) (Lechner et al. 2014. PubMed ID: 24895405). This variant is reported in 0.12% of alleles in individuals of European (Non-Finnish) descent in gnomAD, which is likely too frequent to be a primary cause of disease. Although we suspect that this variant may be benign, at this time, the clinical significance of this variant is uncertain due to the absence of conclusive functional and genetic evidence.

Women's Health and Genetics/Laboratory Corporation of America, LabCorp
Classification: Uncertain significance. Last evaluated: 2026-02-03. Review status: criteria provided, single submitter. Criteria: LabCorp Variant Classification Summary - May 2015. Collection method: clinical testing. Allele origin: germline.
Comment: Variant summary: ZNF469 c.9919A>G (p.Thr3307Ala) results in a non-conservative amino acid change in the encoded protein sequence. Algorithms developed to predict the effect of missense changes on protein structure and function are either unavailable or do not agree on the potential impact of this missense change. The variant allele was found at a frequency of 0.00044 in 128194 control chromosomes. This frequency is not significantly higher than estimated for disease-causing variants in ZNF469, allowing no conclusion about variant significance. c.9919A>G has been observed in an individual affected with keratoconus (Lechner_2014). This report does not provide unequivocal conclusions about association of the variant with Brittle cornea syndrome 1. To our knowledge, no experimental evidence demonstrating an impact on protein function has been reported. The following publication has been ascertained in the context of this evaluation (PMID: 24895405). ClinVar contains an entry for this variant (Variation ID: 126935). Based on the evidence outlined above, the variant was classified as uncertain significance.

Labcorp Genetics (formerly Invitae), Labcorp
Classification: Uncertain significance. Last evaluated: 2026-01-27. Review status: criteria provided, single submitter. Criteria: Invitae Variant Classification Sherloc (09022015). Collection method: clinical testing. Allele origin: germline.
Comment: This sequence change replaces threonine, which is neutral and polar, with alanine, which is neutral and non-polar, at codon 3279 of the ZNF469 protein (p.Thr3279Ala). This variant is present in population databases (rs273585627, gnomAD 0.1%), and has an allele count higher than expected for a pathogenic variant. This variant has not been reported in the literature in individuals affected with ZNF469-related conditions. ClinVar contains an entry for this variant (Variation ID: 126935). An algorithm developed to predict the effect of missense changes on protein structure and function outputs the following: PolyPhen-2: "Benign". The alanine amino acid residue is found in multiple mammalian species, which suggests that this missense change does not adversely affect protein function. In summary, the available evidence is currently insufficient to determine the role of this variant in disease. Therefore, it has been classified as a Variant of Uncertain Significance.

GeneDx
Classification: Uncertain significance. Last evaluated: 2025-01-30. Review status: criteria provided, single submitter. Criteria: GeneDx Variant Classification Process June 2021. Collection method: clinical testing. Allele origin: germline. Affected: yes.
Comment: Identified in a patient with isolated keratoconus in the published literature (PMID: 24895405); In silico analysis indicates that this missense variant does not alter protein structure/function; This variant is associated with the following publications: (PMID: 24895405)

Blueprint Genetics
Classification: Uncertain significance. Last evaluated: 2024-11-20. Review status: criteria provided, single submitter. Criteria: ACMG Guidelines, 2015. Collection method: clinical testing. Allele origin: germline.

Mayo Clinic Laboratories, Mayo Clinic
Classification: Benign. Last evaluated: 2023-09-29. Review status: criteria provided, single submitter. Criteria: ACMG Guidelines, 2015. Collection method: clinical testing. Allele origin: germline. Observed: 8 variant alleles.
Comment: BS1, BP4_strong

Fulgent Genetics
Classification: Uncertain significance for Brittle cornea syndrome 1. Last evaluated: 2022-05-04. Review status: criteria provided, single submitter. Criteria: ACMG Guidelines, 2015. Collection method: clinical testing. Allele origin: unknown.

CeGaT Center for Human Genetics Tuebingen
Classification: Uncertain significance. Last evaluated: 2019-06-01. Review status: criteria provided, single submitter. Criteria: CeGaT Center For Human Genetics Tuebingen Variant Classification Criteria Version 2. Collection method: clinical testing. Allele origin: germline. Affected: yes. Observed: 1 variant allele.

Ambry Genetics
Classification: Likely benign for Cardiovascular phenotype. Last evaluated: 2019-05-10. Review status: criteria provided, single submitter. Criteria: Ambry Variant Classification Scheme 2023. Collection method: clinical testing. Allele origin: germline.

Willoughby Group, Queen's University Belfast
Classification: Likely pathogenic for Keratoconus 1. Review status: no assertion criteria provided. Collection method: not provided. Allele origin: germline. Not counted in ClinVar's aggregate classification.
ClinVar note: Converted during submission from probable-pathogenic to Likely pathogenic.

Literature cited by the submitters: PubMed 24895405 (cited by 3 submitters).